The following is an entry in ClinVar:

ClinVar aggregate classification (germline): Pathogenic (1 of 4 stars; one submission).

Conditions:
Landau-Kleffner syndrome (FESD). Also called: EPILEPSY, FOCAL, WITH SPEECH DISORDER AND WITH OR WITHOUT MENTAL RETARDATION; APHASIA, ACQUIRED, WITH EPILEPSY. Identifiers: Orphanet 1945, Orphanet 725, Orphanet 98818, MedGen C0282512, MONDO:0009509, OMIM 245570.

Submission:

Labcorp Genetics (formerly Invitae), Labcorp
Classification: Pathogenic for Landau-Kleffner syndrome. Last evaluated: 2024-07-03. Review status: criteria provided, single submitter. Criteria: Invitae Variant Classification Sherloc (09022015). Collection method: clinical testing. Allele origin: germline.
Comment: This sequence change creates a premature translational stop signal (p.Asp1060Ilefs*41) in the GRIN2A gene. While this is not anticipated to result in nonsense mediated decay, it is expected to disrupt the last 405 amino acid(s) of the GRIN2A protein. This variant is not present in population databases (gnomAD no frequency). This variant has not been reported in the literature in individuals affected with GRIN2A-related conditions. This variant disrupts a region of the GRIN2A protein in which other variant(s) (p.Asn1397Glnfs*23) have been determined to be pathogenic (PMID: 25724810). This suggests that this is a clinically significant region of the protein, and that variants that disrupt it are likely to be disease-causing. For these reasons, this variant has been classified as Pathogenic.

Literature cited by the submitters: PubMed 25724810.

NM_001134407.3(GRIN2A):c.3177_3195del (p.Asp1060fs)

Gene: GRIN2A (glutamate ionotropic receptor NMDA type subunit 2A; minus strand). Cytogenetic location: 16p13.2.
Variant type: Deletion.
Coding change: c.3177_3195del on transcript NM_001134407.3 (MANE Select); coding-DNA positions 3177 to 3195, 19 bases deleted (TGACATTTCAGAAACGTCA).
Protein change: p.Asp1060fs; shifts the reading frame from aspartic acid 1060.
Molecular consequence: frameshift variant.
Genome position (GRCh38, 1-based): chr16:9,764,349-9,764,367, TGACGTTTCTGAAATGTCA deleted on the plus strand (TGACATTTCAGAAACGTCA on the coding strand, the reverse complement: GRIN2A is on the minus strand). VCF-style (leftmost placement, unchanged base first): chr16-9764348-TTGACGTTTCTGAAATGTCA-T. GRCh37 (hg19) VCF-style: chr16-9858205-TTGACGTTTCTGAAATGTCA-T.
Other names: c.3177_3195del, p.Asp1060fs (NM_000833.5, NM_001134408.2); short protein forms D1060fs.
Identifiers: ClinVar variation 3657282 (VCV003657282.2).